The following is an entry in ClinVar:

NM_199420.4(POLQ):c.3758A>C (p.Gln1253Pro)

Gene: POLQ (DNA polymerase theta; minus strand). Cytogenetic location: 3q13.33.
Variant type: single nucleotide variant.
Coding change: c.3758A>C on transcript NM_199420.4 (MANE Select); coding-DNA position 3758, A replaced by C.
Protein change: p.Gln1253Pro; replaces glutamine 1253 with proline.
Molecular consequence: missense variant.
Genome position (GRCh38, 1-based): chr3:121,489,173, T>G on the plus strand (A>C on the coding strand, the complement: POLQ is on the minus strand). VCF-style: chr3-121489173-T-G. GRCh37 (hg19) VCF-style: chr3-121208020-T-G.
Other names: short protein forms Q1253P.
Identifiers: ClinVar variation 2449603 (VCV002449603.2), dbSNP rs1322484030, ClinGen allele CA354097459.
Genomic context (GRCh38, chr3:121,489,173, plus strand): 5'-CCAGCTGATGGAAGTACTTCACTGGGTATCACAGTTCTGCTTATATCATCTCCTAATGCC[T>G]GAAAATGACTTGGTTTATTTTCCTCTGTATTAAGCTTTATCCTTTCACAATTGATAGTAA-3'
Protein context (NP_955452.3, residues 1243-1263): NTEENKPSHF[Gln1253Pro]ALGDDISRTV

ClinVar aggregate classification (germline): Uncertain significance (1 of 4 stars; one submission).

Allele frequency attached by ClinVar (database versions not stated): TOPMed below 0.00001; gnomAD 0.00001.
gnomAD v4.1: 1 of 1,612,582 alleles (0.000062%); highest among the groups gnomAD compares: Non-Finnish European, 0.000085%; no homozygotes.

Submission:

Ambry Genetics
Classification: Uncertain significance. Last evaluated: 2022-12-12. Review status: criteria provided, single submitter. Criteria: Ambry Variant Classification Scheme 2023. Collection method: clinical testing. Allele origin: germline.
Comment: The p.Q1253P variant (also known as c.3758A>C), located in coding exon 16 of the POLQ gene, results from an A to C substitution at nucleotide position 3758. The glutamine at codon 1253 is replaced by proline, an amino acid with similar properties. This amino acid position is conserved. In addition, this alteration is predicted to be tolerated by in silico analysis. Since supporting evidence is limited at this time, the clinical significance of this alteration remains unclear.